The following is an entry in ClinVar:

ClinVar aggregate classification (germline): Uncertain significance (1 of 4 stars; one submission).

Submission:

Dasa
Classification: Uncertain significance. Last evaluated: 2025-05-31. Review status: criteria provided, single submitter. Criteria: DASA Assertion Criteria. Collection method: clinical testing. Allele origin: germline.
Comment: NM_005035.4(POLRMT):c.2454C>G (p.Ser818Arg) is a missense variant that results in the substitution of serine with arginine. This variant is absent from population databases. Computational prediction algorithms are consistent with a benign effect. The currently available literature and clinical evidence are not sufficient to establish a definitive association between this variant and the reported condition. Therefore, this variant is classified as a variant of uncertain significance.

NM_005035.4(POLRMT):c.2454C>G (p.Ser818Arg)

Gene: POLRMT (RNA polymerase mitochondrial; minus strand). Cytogenetic location: 19p13.3.
Variant type: single nucleotide variant.
Coding change: c.2454C>G on transcript NM_005035.4 (MANE Select); coding-DNA position 2454, C replaced by G.
Protein change: p.Ser818Arg; replaces serine 818 with arginine.
Molecular consequence: missense variant. On other transcripts: non-coding transcript variant (1).
Genome position (GRCh38, 1-based): chr19:621,244, G>C on the plus strand (C>G on the coding strand, the complement: POLRMT is on the minus strand). VCF-style: chr19-621244-G-C. GRCh37 (hg19) VCF-style: chr19-621244-G-C.
Other names: c.2442C>G, p.Ser814Arg (NM_001407807.1, NM_001407810.1); c.2454C>G, p.Ser818Arg (NM_001407808.1, NM_001407812.1, NM_001407814.1 and 4 more transcripts); c.2445C>G, p.Ser815Arg (NM_001407809.1, NM_001407806.1); c.2412C>G, p.Ser804Arg (NM_001407811.1, NM_001407813.1); c.2229C>G, p.Ser743Arg (NM_001407830.1, NM_001407832.1); c.2130C>G, p.Ser710Arg (NM_001407831.1, NM_001407833.1, NM_001407835.1 and 1 more transcripts); c.2121C>G, p.Ser707Arg (NM_001407834.1); short protein forms S707R, S710R, S743R, S804R, S814R, S815R, S818R.
Identifiers: ClinVar variation 4880909 (VCV004880909.2).